The following is an entry in ClinVar:

ClinVar aggregate classification (germline): Uncertain significance (1 of 4 stars; one submission).

Conditions:
Duchenne muscular dystrophy (DMD). Also called: Duchenne Muscular Dystrophy (DMD); MUSCULAR DYSTROPHY, PSEUDOHYPERTROPHIC PROGRESSIVE, DUCHENNE TYPE. Identifiers: Orphanet 98896, MedGen C0013264, MONDO:0010679, OMIM 310200.

Allele frequency attached by ClinVar (database versions not stated): gnomAD exomes below 0.00001; gnomAD 0.00001; TOPMed 0.00001.
gnomAD v4.1: 3 of 1,209,400 alleles (0.00025%); highest among the groups gnomAD compares: Non-Finnish European, 0.00034%; no homozygotes.

Submission:

Labcorp Genetics (formerly Invitae), Labcorp
Classification: Uncertain significance for Duchenne muscular dystrophy. Last evaluated: 2025-12-01. Review status: criteria provided, single submitter. Criteria: Invitae Variant Classification Sherloc (09022015). Collection method: clinical testing. Allele origin: germline.
Comment: This sequence change replaces threonine, which is neutral and polar, with arginine, which is basic and polar, at codon 2710 of the DMD protein (p.Thr2710Arg). This variant is not present in population databases (gnomAD no frequency). This variant has not been reported in the literature in individuals affected with DMD-related conditions. ClinVar contains an entry for this variant (Variation ID: 1442405). Invitae Evidence Modeling of protein sequence and biophysical properties (such as structural, functional, and spatial information, amino acid conservation, physicochemical variation, residue mobility, and thermodynamic stability) indicates that this missense variant is not expected to disrupt DMD protein function with a negative predictive value of 95%. In summary, the available evidence is currently insufficient to determine the role of this variant in disease. Therefore, it has been classified as a Variant of Uncertain Significance.

NM_004006.3(DMD):c.8129C>G (p.Thr2710Arg)

Gene: DMD (dystrophin; minus strand). Cytogenetic location: Xp21.1.
Variant type: single nucleotide variant.
Coding change: c.8129C>G on transcript NM_004006.3 (MANE Select); coding-DNA position 8129, C replaced by G.
Protein change: p.Thr2710Arg; replaces threonine 2710 with arginine.
Molecular consequence: missense variant.
Genome position (GRCh38, 1-based): chrX:31,627,761, G>C on the plus strand (C>G on the coding strand, the complement: DMD is on the minus strand). VCF-style: chrX-31627761-G-C. GRCh37 (hg19) VCF-style: chrX-31645878-G-C.
Other names: c.8105C>G, p.Thr2702Arg (NM_000109.4); c.8117C>G, p.Thr2706Arg (NM_004009.3); c.7760C>G, p.Thr2587Arg (NM_004010.3); c.4106C>G, p.Thr1369Arg (NM_004011.4); c.4097C>G, p.Thr1366Arg (NM_004012.4); c.749C>G, p.Thr250Arg (NM_004013.3, NM_004020.4, NM_004021.3 and 2 more transcripts); short protein forms T2702R, T1369R, T250R, T2587R, T2710R, T1366R, T2706R.
Identifiers: ClinVar variation 1442405 (VCV001442405.7), dbSNP rs2078922316, ClinGen allele CA412657235.